The following is an entry in ClinVar:

ClinVar aggregate classification (germline): Benign (0 of 4 stars; one submission).

Conditions:
KCNQ1-related disorder. Also called: KCNQ1-related condition; KCNQ1-related disorders. Identifiers: MedGen CN239322.

Allele frequency attached by ClinVar (database versions not stated): TOPMed 0.90370; gnomAD 0.90385; gnomAD exomes 0.90683; 1000 Genomes Project 30x 0.91084; 1000 Genomes Project 0.91294.
gnomAD v4.1: 360,879 of 398,528 alleles (91%); highest among the groups gnomAD compares: East Asian, 99%; 163,627 homozygotes.

Submission:

PreventionGenetics, part of Exact Sciences
Classification: Benign for KCNQ1-related condition. Last evaluated: 2020-01-08. Review status: no assertion criteria provided. Collection method: clinical testing. Allele origin: germline.
Comment: This variant is classified as benign based on ACMG/AMP sequence variant interpretation guidelines (Richards et al. 2015 PMID: 25741868, with internal and published modifications).

NM_000218.3(KCNQ1):c.1393+36536A>G

Genes: KCNQ1 (potassium voltage-gated channel subfamily Q member 1; plus strand), KCNQ1OT1 (KCNQ1 opposite strand/antisense transcript 1; minus strand). Cytogenetic location: 11p15.5.
Variant type: single nucleotide variant.
Coding change: c.1393+36536A>G on transcript NM_000218.3 (MANE Select); 36536 bases into the intron after coding-DNA position 1393, A replaced by G.
Molecular consequence: intron variant. On other transcripts: non-coding transcript variant (1).
Genome position (GRCh38, 1-based): chr11:2,625,390, A>G. VCF-style: chr11-2625390-A-G. GRCh37 (hg19) VCF-style: chr11-2646620-A-G.
Other names: c.1123+36536A>G (NM_001406837.1); c.1297+36536A>G (NM_001406836.1); c.853+36536A>G (NM_001406838.1); c.1012+36536A>G (NM_181798.2).
Identifiers: ClinVar variation 3059658 (VCV003059658.2), dbSNP rs7118939, ClinGen allele CA13370374.